The following is an entry in ClinVar:

ClinVar aggregate classification (germline): Uncertain significance (1 of 4 stars; one submission).

Conditions:
Hereditary pancreatitis (PCTT). Also called: Hereditary chronic pancreatitis; PRSS1-Related Hereditary Pancreatitis. Identifiers: Orphanet 676, MedGen C0238339, MONDO:0008185, OMIM 167800.

Submission:

Ambry Genetics
Classification: Uncertain significance for Hereditary pancreatitis. Last evaluated: 2024-10-12. Review status: criteria provided, single submitter. Criteria: Ambry Variant Classification Scheme 2023. Collection method: clinical testing. Allele origin: germline.
Comment: The p.E94A variant (also known as c.281A>C), located in coding exon 4 of the CTRC gene, results from an A to C substitution at nucleotide position 281. The glutamic acid at codon 94 is replaced by alanine, an amino acid with dissimilar properties. This amino acid position is conserved. In addition, this alteration is predicted to be tolerated by in silico analysis. Since supporting evidence is limited at this time, the clinical significance of this alteration remains unclear.

NM_007272.3(CTRC):c.281A>C (p.Glu94Ala)

Gene: CTRC (chymotrypsin C; plus strand). Cytogenetic location: 1p36.21.
Variant type: single nucleotide variant.
Coding change: c.281A>C on transcript NM_007272.3 (MANE Select); coding-DNA position 281, A replaced by C.
Protein change: p.Glu94Ala; replaces glutamic acid 94 with alanine.
Molecular consequence: missense variant.
Genome position (GRCh38, 1-based): chr1:15,442,497, A>C. VCF-style: chr1-15442497-A-C. GRCh37 (hg19) VCF-style: chr1-15768993-A-C.
Other names: short protein forms E94A.
Identifiers: ClinVar variation 1796410 (VCV001796410.3), dbSNP rs2526294465, ClinGen allele CA338565429.